The following is an entry in ClinVar:

ClinVar aggregate classification (germline): Pathogenic. Review status: criteria provided, multiple submitters, no conflicts (2 of 4 stars). 6 submissions from 6 submitters: Pathogenic (6). Last evaluated 2025-07-10.

Conditions:
CASR-related disorder. Also called: CASR-related condition.
Familial hypocalciuric hypercalcemia (FHH). Also called: Familial benign hypercalcemia. Identifiers: Orphanet 405, MedGen C1809471, MONDO:0018458.
Autosomal dominant hypocalcemia 1 (HYPOC1). Also called: HYPOCALCEMIA, FAMILIAL. Identifiers: MedGen C3715128, MONDO:0011013, OMIM 601198.

Submissions (6):

Women's Health and Genetics/Laboratory Corporation of America, LabCorp
Classification: Pathogenic for Familial hypocalciuric hypercalcemia. Last evaluated: 2025-07-10. Review status: criteria provided, single submitter. Criteria: LabCorp Variant Classification Summary - May 2015. Collection method: clinical testing. Allele origin: germline.
Comment: Variant summary: CASR c.1376A>G (p.Gln459Arg) results in a conservative amino acid change in the encoded protein sequence. Algorithms developed to predict the effect of missense changes on protein structure and function are either unavailable or do not agree on the potential impact of this missense change. Several computational tools predict a significant impact on normal splicing: One predict the variant weakens a 5' donor site. Three predict the variant weakens a 5' donor site. However, these predictions have yet to be confirmed by functional studies. The variant was absent in 245846 control chromosomes. c.1376A>G has been observed in multiple individuals affected with Familial Hypocalciuric Hypercalcemia and related conditions (Boisen_2020, Lietman_2009). These data indicate that the variant is very likely to be associated with disease. At least one publication reports experimental evidence evaluating an impact on protein function (Boisen_2020, Lietman_2009). The results show this variant affects function. The following publications have been ascertained in the context of this evaluation (PMID: 32160303, 19789209). ClinVar contains an entry for this variant (Variation ID: 1068215). Based on the evidence outlined above, the variant was classified as pathogenic.

Revvity Omics, Revvity
Classification: Pathogenic. Last evaluated: 2024-12-20. Review status: criteria provided, single submitter. Criteria: ACMG Guidelines, 2015. Collection method: clinical testing. Allele origin: germline.

Labcorp Genetics (formerly Invitae), Labcorp
Classification: Pathogenic for Familial hypocalciuric hypercalcemia; Autosomal dominant hypocalcemia 1. Last evaluated: 2023-09-26. Review status: criteria provided, single submitter. Criteria: Invitae Variant Classification Sherloc (09022015). Collection method: clinical testing. Allele origin: germline.
Comment: This sequence change replaces glutamine, which is neutral and polar, with arginine, which is basic and polar, at codon 459 of the CASR protein (p.Gln459Arg). This variant is not present in population databases (gnomAD no frequency). This missense change has been observed in individuals with familial hypocalciuric hypercalcemia (PMID: 19789209, 24517148, 32160303). It has also been observed to segregate with disease in related individuals. ClinVar contains an entry for this variant (Variation ID: 1068215). An algorithm developed to predict the effect of missense changes on protein structure and function (PolyPhen-2) suggests that this variant is likely to be disruptive. Experimental studies have shown that this missense change affects CASR function (PMID: 19789209, 24517148, 27666534, 32160303). Algorithms developed to predict the effect of sequence changes on RNA splicing suggest that this variant may disrupt the consensus splice site. For these reasons, this variant has been classified as Pathogenic.

Clinical Genetics Laboratory, Skane University Hospital Lund
Classification: Pathogenic. Last evaluated: 2022-07-13. Review status: criteria provided, single submitter. Criteria: ACMG Guidelines, 2015. Collection method: clinical testing. Allele origin: germline. Affected: yes.

Athena Diagnostics
Classification: Pathogenic. Last evaluated: 2021-03-23. Review status: criteria provided, single submitter. Criteria: Athena Diagnostics criteria. Collection method: clinical testing. Allele origin: unknown.
Comment: This variant has not been reported in large, multi-ethnic general populations. Many reported carriers of this variant presented with a mild phenotype of hypercalcemia and/or hypocalciuria (PMID: 19789209, 32160303, 24517148). This variant associates with disease in multiple families. Assessment of experimental evidence suggests this variant results in abnormal protein function. Study showed mild impaired calcium function (PMID: 19789209,32160303, 24517148, 27666534). Computational tools predict that this variant is damaging. Computational tools yielded predictions that this variant may interfere with normal RNA splicing.

Blueprint Genetics
Classification: Pathogenic for CASR-related disorders. Last evaluated: 2019-09-12. Review status: criteria provided, single submitter. Criteria: ACMG Guidelines, 2015. Collection method: clinical testing. Allele origin: germline. Affected: yes. Observed: 1 variant allele.

Literature cited by the submitters: PubMed 32160303 (cited by 3 submitters); PubMed 19789209 (cited by 3 submitters); PubMed 24517148 (cited by Labcorp Genetics (formerly Invitae), Labcorp and Athena Diagnostics); PubMed 27666534 (cited by Labcorp Genetics (formerly Invitae), Labcorp and Athena Diagnostics); PubMed 31433865 (cited by Athena Diagnostics).

NM_000388.4(CASR):c.1376A>G (p.Gln459Arg)

Gene: CASR (calcium sensing receptor; plus strand). Cytogenetic location: 3q21.1.
Variant type: single nucleotide variant.
Coding change: c.1376A>G on transcript NM_000388.4 (MANE Select); coding-DNA position 1376, A replaced by G.
Protein change: p.Gln459Arg; replaces glutamine 459 with arginine.
Molecular consequence: missense variant.
Genome position (GRCh38, 1-based): chr3:122,262,411, A>G. VCF-style: chr3-122262411-A-G. GRCh37 (hg19) VCF-style: chr3-121981258-A-G.
Other names: c.1376A>G, p.Gln459Arg (NM_001178065.2); short protein forms Q459R.
Identifiers: ClinVar variation 1068215 (VCV001068215.14), dbSNP rs2107633334, ClinGen allele CA354153430.
Genomic context (GRCh38, chr3:122,262,411, plus strand): 5'-CTGGGAGAGGGCTCTTCACCAATGGCTCCTGTGCAGACATCAAGAAAGTTGAGGCGTGGC[A>G]GGTGCGTCCTTCACTTATATAGCAATTTGCTGTATAATAAAGCAGAGTTGGGCTGCAACT-3'
Protein context (NP_000379.3, residues 449-469): CADIKKVEAW[Gln459Arg]VLKHLRHLNF